The following is an entry in ClinVar:

NM_001002295.2(GATA3):c.608_609del (p.Gly203fs)

Gene: GATA3 (GATA binding protein 3; plus strand). Cytogenetic location: 10p14.
Variant type: Deletion.
Coding change: c.608_609del on transcript NM_001002295.2 (MANE Select); coding-DNA positions 608 to 609, 2 bases deleted (GC; older notation c.608_609delGC).
Protein change: p.Gly203fs; shifts the reading frame from glycine 203.
Molecular consequence: frameshift variant.
Genome position (GRCh38, 1-based): chr10:8,058,671-8,058,672, GC deleted. VCF-style (leftmost placement, unchanged base first): chr10-8058670-GGC-G. GRCh37 (hg19) VCF-style: chr10-8100633-GGC-G.
Other names: c.608_609del, p.Gly203fs (NM_002051.3); short protein forms G203fs.
Identifiers: ClinVar variation 2018759 (VCV002018759.4), dbSNP rs2491464339, ClinGen allele CA2580081316.

ClinVar aggregate classification (germline): Pathogenic (1 of 4 stars; one submission).

Submission:

Labcorp Genetics (formerly Invitae), Labcorp
Classification: Pathogenic. Last evaluated: 2022-11-02. Review status: criteria provided, single submitter. Criteria: Invitae Variant Classification Sherloc (09022015). Collection method: clinical testing. Allele origin: germline.
Comment: For these reasons, this variant has been classified as Pathogenic. This variant has not been reported in the literature in individuals affected with GATA3-related conditions. This variant is not present in population databases (gnomAD no frequency). This sequence change creates a premature translational stop signal (p.Gly203Glufs*100) in the GATA3 gene. It is expected to result in an absent or disrupted protein product. Loss-of-function variants in GATA3 are known to be pathogenic (PMID: 14985365, 21242646).

Literature cited by the submitters: PubMed 14985365; PubMed 21242646.